The following is an entry in ClinVar:

ClinVar aggregate classification (germline): Conflicting classifications of pathogenicity. Review status: criteria provided, conflicting classifications (1 of 4 stars). 2 submissions from 2 submitters: Likely pathogenic (1); Uncertain significance (1). Last evaluated 2026-06-16.

Conditions:
Dilated cardiomyopathy 1Y (CMD1Y). Identifiers: Orphanet 154, Orphanet 54260, MedGen C2678476, MONDO:0012744, OMIM 611878.

Submissions (2):

Victorian Clinical Genetics Services, Murdoch Childrens Research Institute
Classification: Likely pathogenic for Dilated cardiomyopathy 1Y. Last evaluated: 2026-06-16. Review status: criteria provided, single submitter. Criteria: ACMG Guidelines, 2015. Collection method: clinical testing. Allele origin: germline. Affected: yes.
Comment: This variant is classified as Likely pathogenic. Evidence in support of pathogenic classification: Variant is absent from gnomAD (v2, v3 and v4); Missense variant in a region that is highly intolerant to missense variation (high constraint region in DECIPHER); Missense variant predicted to be damaging by in silico tool(s) or highly conserved with a major amino acid change; Additional information: Variant is predicted to result in a missense amino acid change from isoleucine to methionine; This variant is heterozygous; This gene is associated with autosomal dominant disease; Alternative amino acid change(s) at the same position are present in gnomAD (Highest allele count: v4: 1 heterozygote(s), 0 homozygote(s)); Previous evidence of pathogenicity for this variant is inconclusive. This variant has been reported in the literature in a child with left ventricular non-compaction cardiomyopathy and was classified as a VUS (PMID: 36252119); No published segregation evidence has been identified for this variant; No published functional evidence has been identified for this variant; Another missense variant(s) comparable to the one identified in this case has inconclusive previous evidence for pathogenicity. p.(Ile4Val) has been classified as a VUS by multiple clinical laboratories in ClinVar. Personal correspondence with one clinical laboratory indicates the variant has been identified in one individual with HCM; The mechanism of disease for this gene is not clearly established, although it has been suggested that that HCM is caused by gain of function missense variants while DCM is caused by loss of function missense variants (PMID: 31270709); The condition associated with this gene has incomplete penetrance (PMIDs: 33642254, 32882290, 32731933).

GeneDx
Classification: Uncertain significance. Last evaluated: 2025-01-28. Review status: criteria provided, single submitter. Criteria: GeneDx Variant Classification Process June 2021. Collection method: clinical testing. Allele origin: germline. Affected: yes.
Comment: In silico analysis supports that this missense variant has a deleterious effect on protein structure/function; Not observed at significant frequency in large population cohorts (gnomAD); This variant is associated with the following publications: (PMID: 36252119)

Literature cited by the submitters: PubMed 31270709 (cited by Victorian Clinical Genetics Services, Murdoch Childrens Research Institute); PubMed 33642254 (cited by Victorian Clinical Genetics Services, Murdoch Childrens Research Institute); PubMed 32731933 (cited by Victorian Clinical Genetics Services, Murdoch Childrens Research Institute); PubMed 36252119 (cited by Victorian Clinical Genetics Services, Murdoch Childrens Research Institute); PubMed 32882290 (cited by Victorian Clinical Genetics Services, Murdoch Childrens Research Institute).

NM_001018005.2(TPM1):c.12C>G (p.Ile4Met)

Gene: TPM1 (tropomyosin 1; plus strand). Cytogenetic location: 15q22.2.
Variant type: single nucleotide variant.
Coding change: c.12C>G on transcript NM_001018005.2 (MANE Select); coding-DNA position 12, C replaced by G.
Protein change: p.Ile4Met; replaces isoleucine 4 with methionine.
Molecular consequence: missense variant. On other transcripts: non-coding transcript variant (11).
Genome position (GRCh38, 1-based): chr15:63,042,841, C>G. VCF-style: chr15-63042841-C-G. GRCh37 (hg19) VCF-style: chr15-63335040-C-G.
Other names: c.12C>G, p.Ile4Met (NM_000366.6, NM_001018004.2, NM_001018006.2 and 24 more transcripts); short protein forms I4M.
Identifiers: ClinVar variation 4072493 (VCV004072493.4).